The following is an entry in ClinVar:

NM_003640.5(ELP1):c.3979A>T (p.Lys1327Ter)

Gene: ELP1 (elongator acetyltransferase complex subunit 1; minus strand). Cytogenetic location: 9q31.3.
Variant type: single nucleotide variant.
Coding change: c.3979A>T on transcript NM_003640.5 (MANE Select); coding-DNA position 3979, A replaced by T.
Protein change: p.Lys1327Ter; replaces lysine 1327 with a stop codon.
Molecular consequence: nonsense.
Genome position (GRCh38, 1-based): chr9:108,869,135, T>A on the plus strand (A>T on the coding strand, the complement: ELP1 is on the minus strand). VCF-style: chr9-108869135-T-A. GRCh37 (hg19) VCF-style: chr9-111631415-T-A.
Other names: c.3637A>T, p.Lys1213Ter (NM_001318360.2); c.2932A>T, p.Lys978Ter (NM_001330749.2); short protein forms K1213*, K1327*, K978*.
Identifiers: ClinVar variation 2168115 (VCV002168115.1), dbSNP rs1373407345, ClinGen allele CA374409414.

ClinVar aggregate classification (germline): Uncertain significance (1 of 4 stars; one submission).

Submission:

Labcorp Genetics (formerly Invitae), Labcorp
Classification: Uncertain significance. Last evaluated: 2022-06-25. Review status: criteria provided, single submitter. Criteria: Invitae Variant Classification Sherloc (09022015). Collection method: clinical testing. Allele origin: germline.
Comment: This sequence change creates a premature translational stop signal (p.Lys1327*) in the ELP1 gene. While this is not anticipated to result in nonsense mediated decay, it is expected to disrupt the last 6 amino acid(s) of the ELP1 protein. This variant is not present in population databases (gnomAD no frequency). This variant has not been reported in the literature in individuals affected with ELP1-related conditions. Algorithms developed to predict the effect of sequence changes on RNA splicing suggest that this variant may create or strengthen a splice site. In summary, the available evidence is currently insufficient to determine the role of this variant in disease. Therefore, it has been classified as a Variant of Uncertain Significance.